The following is an entry in ClinVar:

NM_000548.5(TSC2):c.1793A>G (p.Tyr598Cys)

Gene: TSC2 (TSC complex subunit 2; plus strand). Cytogenetic location: 16p13.3.
Variant type: single nucleotide variant.
Coding change: c.1793A>G on transcript NM_000548.5 (MANE Select); coding-DNA position 1793, A replaced by G.
Protein change: p.Tyr598Cys; replaces tyrosine 598 with cysteine.
Molecular consequence: missense variant.
Genome position (GRCh38, 1-based): chr16:2,070,532, A>G. VCF-style: chr16-2070532-A-G. GRCh37 (hg19) VCF-style: chr16-2120533-A-G.
Other names: c.1793A>G, p.Tyr598Cys (NM_001077183.3, NM_001114382.3, NM_001363528.2 and 3 more transcripts); c.1682A>G, p.Tyr561Cys (NM_001318827.2); c.1646A>G, p.Tyr549Cys (NM_001318829.2); c.1193A>G, p.Tyr398Cys (NM_001318831.2); c.1826A>G, p.Tyr609Cys (NM_001318832.2); c.1793A>G (NM_000548.4); short protein forms Y598C, Y549C, Y609C, Y561C, Y398C.
Identifiers: ClinVar variation 50162 (VCV000050162.10), dbSNP rs45509791, ClinGen allele CA015795.

ClinVar aggregate classification (germline): Pathogenic/Likely pathogenic. Review status: criteria provided, multiple submitters, no conflicts (2 of 4 stars). 6 submissions from 6 submitters: Pathogenic (2); Likely pathogenic (3). 1 of the submissions does not count toward it. Last evaluated 2025-10-21.

Conditions:
TSC2-related disorder. Also called: TSC2-Related Disorders; TSC2-related condition.
Hereditary cancer-predisposing syndrome. Also called: Hereditary Cancer Syndrome; Neoplastic Syndromes, Hereditary; Hereditary neoplastic syndrome; Tumor predisposition. Identifiers: Orphanet 140162, MedGen C0027672, MeSH D009386, MONDO:0015356.
Tuberous sclerosis syndrome (TSC). Also called: Tuberous Sclerosis Complex; Tuberous sclerosis. Identifiers: Orphanet 805, MedGen C0041341, MONDO:0001734.
Tuberous sclerosis 2 (TSC2). Identifiers: Orphanet 805, MedGen C1860707, MONDO:0013199, OMIM 613254.

Submissions (6):

NHS Central & South Genomic Laboratory Hub
Classification: Likely pathogenic for Tuberous sclerosis. Last evaluated: 2025-10-21. Review status: criteria provided, single submitter. Criteria: ACMG Guidelines, 2015. Collection method: clinical testing. Allele origin: germline. Affected: yes.

PreventionGenetics, part of Exact Sciences
Classification: Likely pathogenic for TSC2-related condition. Last evaluated: 2025-09-25. Review status: criteria provided, single submitter. Criteria: ACMG Guidelines, 2015. Collection method: clinical testing. Allele origin: germline.
Comment: The TSC2 c.1793A>G variant is predicted to result in the amino acid substitution p.Tyr598Cys. This variant has been reported in multiple individuals with tuberous sclerosis complex (TSC) including one de novo case (Hoogeveen-Westerveld et al. 2012. PubMed ID: 22903760; Table S2, Milon et al. 2024. PubMed ID: 38806662; Table S2, Kwiatkowski et al. 2015. PubMed ID: 25782670). Functional studies showed this variant had reduced protein function (Table 1, Hoogeveen-Westerveld et al. 2012. PubMed ID: 22903760). This variant has not been reported in a large population database (gnomAD), indicating it is rare and is classified as pathogenic in the ClinVar database (Variation ID: 50162). A different missense change impacting the same amino acid (p.Tyr598His) has also been reported in an individual with TSC indicating this residue is important for protein function (Nellist et al. 2008. PubMed ID: 18302728). This variant is interpreted as likely pathogenic.

ARUP Laboratories, Molecular Genetics and Genomics, ARUP Laboratories
Classification: Likely pathogenic. Last evaluated: 2025-01-17. Review status: criteria provided, single submitter. Criteria: ARUP Molecular Germline Variant Investigation Process 2024. Collection method: clinical testing. Allele origin: germline.
Comment: The TSC2 c.1793A>G; p.Tyr598Cys variant (rs45509791, ClinVar Variation ID: 50162) is reported in the literature in multiple individuals affected with tuberous sclerosis (Kwiatkowski 2015, Milon 2024). This variant is absent from the Genome Aggregation Database (v2.1.1), indicating it is not a common polymorphism. Functional analyses of the variant protein indicate an intermediate loss of the TSC1-TSC2 dependent inhibition of TORC1, as measured by reduced TSC1 signal and increased T389/S6K ratio in transfected cell lines (Hoogeveen-Westerveld 2013). Computational analyses predict that this variant is deleterious (REVEL: 0.959). Additionally, another variants at this codon (c.1792T>C, p.Tyr598His) have been reported in individuals with tuberous sclerosis and is considered pathogenic (Nellist 2008). Based on available information, the p.Tyr598Cys variant is considered to be pathogenic. References: Hoogeveen-Westerveld M et al. Functional assessment of TSC2 variants identified in individuals with tuberous sclerosis complex. Hum Mutat. 2013 Jan;34(1):167-75. PMID: 22903760. Kwiatkowski DJ et al. Response to everolimus is seen in TSC-associated SEGAs and angiomyolipomas independent of mutation type and site in TSC1 and TSC2. Eur J Hum Genet. 2015 Dec;23(12):1665-72. PMID: 25782670 Milon V et al. Diagnosis of tuberous sclerosis in the prenatal period: a retrospective study of 240 cases and review of the literature. Eur J Hum Genet. 2024 Dec;32(12):1590-1598. PMID: 38806662 Nellist M et al. Functional characterisation of the TSC1-TSC2 complex to assess multiple TSC2 variants identified in single families affected by tuberous sclerosis complex. BMC Med Genet. 2008 Feb 26;9:10. PMID: 18302728

Ambry Genetics
Classification: Pathogenic for Hereditary cancer-predisposing syndrome. Last evaluated: 2024-09-13. Review status: criteria provided, single submitter. Criteria: Ambry Variant Classification Scheme 2023. Collection method: clinical testing. Allele origin: germline.
Comment: The p.Y598C pathogenic mutation (also known as c.1793A>G), located in coding exon 16 of the TSC2 gene, results from an A to G substitution at nucleotide position 1793. The tyrosine at codon 598 is replaced by cysteine, an amino acid with highly dissimilar properties. This variant has been observed in multiple individuals with a personal and/or family history that is consistent with tuberous sclerosis complex (Ambry internal data; Milon V et al. Eur J Hum Genet, 2024 May; Kwiatkowski DJ et al. Eur J Hum Genet, 2015 Dec;23:1665-72). In one functional study, this alteration was found to have intermediate loss of the TSC1-TSC2 dependent inhibition of TORC1 (Hoogeveen-Westerveld M et al. Hum Mutat, 2013 Jan;34:167-75). This amino acid position is highly conserved in available vertebrate species. In addition, this alteration is predicted to be deleterious by in silico analysis. This variant is considered to be rare based on population cohorts in the Genome Aggregation Database (gnomAD). Based on the supporting evidence, this variant is interpreted as a disease-causing mutation.

Labcorp Genetics (formerly Invitae), Labcorp
Classification: Pathogenic for Tuberous sclerosis 2. Last evaluated: 2022-01-12. Review status: criteria provided, single submitter. Criteria: Invitae Variant Classification Sherloc (09022015). Collection method: clinical testing. Allele origin: germline.
Comment: This variant disrupts the p.Tyr598 amino acid residue in TSC2. Other variant(s) that disrupt this residue have been determined to be pathogenic (PMID: 21309039, 21520333). This suggests that this residue is clinically significant, and that variants that disrupt this residue are likely to be disease-causing. For these reasons, this variant has been classified as Pathogenic. Experimental studies have shown that this missense change affects TSC2 function (PMID: 22903760). Advanced modeling of protein sequence and biophysical properties (such as structural, functional, and spatial information, amino acid conservation, physicochemical variation, residue mobility, and thermodynamic stability) performed at Invitae indicates that this missense variant is expected to disrupt TSC2 protein function. ClinVar contains an entry for this variant (Variation ID: 50162). This missense change has been observed in individuals with tuberous sclerosis complex (TSC) (PMID: 21520333, 22903760; Invitae). This variant is not present in population databases (gnomAD no frequency). This sequence change replaces tyrosine, which is neutral and polar, with cysteine, which is neutral and slightly polar, at codon 598 of the TSC2 protein (p.Tyr598Cys).

Tuberous sclerosis database (TSC2)
No classification provided. Condition: TSC. Review status: no classification provided. Criteria: Tuberous Sclerosis Database Assertion Criteria 2015. Collection method: curation. Allele origin: germline. Affected: yes. Not counted in ClinVar's aggregate classification.

Literature cited by the submitters: PubMed 22903760 (cited by Ambry Genetics and Labcorp Genetics (formerly Invitae), Labcorp); PubMed 25782670 (cited by Ambry Genetics); PubMed 38806662 (cited by Ambry Genetics); PubMed 21309039 (cited by Labcorp Genetics (formerly Invitae), Labcorp); PubMed 21520333 (cited by Labcorp Genetics (formerly Invitae), Labcorp).